The following is an entry in ClinVar:

ClinVar aggregate classification (germline): Uncertain significance (1 of 4 stars; one submission).

Conditions:
Charcot-Marie-Tooth disease X-linked dominant 6. Also called: CHARCOT-MARIE-TOOTH NEUROPATHY, X-LINKED DOMINANT, 6. Identifiers: Orphanet 352675, MedGen C3806702, MONDO:0010479, OMIM 300905.

Submission:

Labcorp Genetics (formerly Invitae), Labcorp
Classification: Uncertain significance for Charcot-Marie-Tooth disease X-linked dominant 6. Last evaluated: 2017-12-01. Review status: criteria provided, single submitter. Criteria: Invitae Variant Classification Sherloc (09022015). Collection method: clinical testing. Allele origin: germline.
Comment: This variant is a gross deletion of the genomic region encompassing exon 1 of the PDK3 gene, which includes the initiator codon. The 5' end of this event is unknown as it extends beyond the assayed region for this gene and therefore may encompass additional genes. The 3' boundary is likely confined to intron 1 of the PDK3 gene. This is expected to result in an absent or disrupted protein product. This variant has not been reported in the literature in individuals with PDK3-related disease. The current clinical and genetic evidence is not sufficient to establish whether loss-of-function variants in PDK3 cause disease. In summary, the available evidence is currently insufficient to determine the role of this variant in disease. Therefore, it has been classified as a Variant of Uncertain Significance.

NC_000023.11:g.(?_24465436)_(24465581_?)del

Gene: PDK3 (pyruvate dehydrogenase kinase 3; plus strand). Cytogenetic location: Xp22.11.
Variant type: Deletion.
Identifiers: ClinVar variation 541118 (VCV000541118.2).